The following is an entry in ClinVar:

NM_001903.5(CTNNA1):c.2434-4G>A

Gene: CTNNA1 (catenin alpha 1; plus strand). Cytogenetic location: 5q31.2.
Variant type: single nucleotide variant.
Coding change: c.2434-4G>A on transcript NM_001903.5 (MANE Select); 4 bases into the intron before coding-DNA position 2434, G replaced by A.
Molecular consequence: intron variant.
Genome position (GRCh38, 1-based): chr5:138,933,798, G>A. VCF-style: chr5-138933798-G-A. GRCh37 (hg19) VCF-style: chr5-138269487-G-A.
Other names: c.2434-4G>A (NM_001323982.2, NM_001323984.2, NM_001323983.1); c.2505-4G>A (NM_001290307.3); c.2434-31G>A (NM_001323985.2); c.2341-4G>A (NM_001323986.2); c.2065-4G>A (NM_001290310.3); c.2125-4G>A (NM_001290309.3); c.1324-4G>A (NM_001323996.1, NM_001323993.1, NM_001323998.1 and 12 more transcripts); c.1395-4G>A (NM_001324005.1, NM_001324003.1, NM_001324002.1 and 1 more transcripts); and 4 more.
Identifiers: ClinVar variation 699845 (VCV000699845.16), dbSNP rs760241675, ClinGen allele CA3432245.

ClinVar aggregate classification (germline): Benign/Likely benign. Review status: criteria provided, multiple submitters, no conflicts (2 of 4 stars). 3 submissions from 3 submitters: Benign (1); Likely benign (2). Last evaluated 2025-07-29.

Conditions:
Hereditary cancer-predisposing syndrome. Also called: Tumor predisposition; Hereditary neoplastic syndrome; Hereditary Cancer Syndrome; Neoplastic Syndromes, Hereditary. Identifiers: Orphanet 140162, MedGen C0027672, MeSH D009386, MONDO:0015356.
Hereditary diffuse gastric adenocarcinoma (HDGC). Also called: DIFFUSE GASTRIC AND LOBULAR BREAST CANCER SYNDROME. Identifiers: Orphanet 26106, MedGen C1708349, MONDO:0007648, OMIM 137215.

Allele frequency attached by ClinVar (database versions not stated): gnomAD 0.00001 and 0.00002; gnomAD exomes 0.00001 and 0.00002; TOPMed 0.00002; ExAC 0.00003.
gnomAD v4.1: 18 of 1,611,950 alleles (0.0011%); highest among the groups gnomAD compares: South Asian, 0.013%; no homozygotes.

Submissions (3):

Labcorp Genetics (formerly Invitae), Labcorp
Classification: Likely benign. Last evaluated: 2025-07-29. Review status: criteria provided, single submitter. Criteria: Invitae Variant Classification Sherloc (09022015). Collection method: clinical testing. Allele origin: germline.

Myriad Genetics, Inc.
Classification: Likely benign for Hereditary diffuse gastric adenocarcinoma. Last evaluated: 2024-10-15. Review status: criteria provided, single submitter. Criteria: Myriad Autosomal Dominant, Autosomal Recessive and X-Linked Classification Criteria (2023). Collection method: clinical testing. Allele origin: unknown.
Comment: This variant is considered likely benign. This variant is intronic and is not expected to impact mRNA splicing.

Ambry Genetics
Classification: Benign for Hereditary cancer-predisposing syndrome. Last evaluated: 2022-03-08. Review status: criteria provided, single submitter. Criteria: Ambry Variant Classification Scheme 2023. Collection method: clinical testing. Allele origin: germline.